The following is an entry in ClinVar:

ClinVar aggregate classification (germline): Benign/Likely benign. Review status: criteria provided, multiple submitters, no conflicts (2 of 4 stars). 4 submissions from 4 submitters: Benign (1); Likely benign (2). 1 of the submissions does not count toward it. Last evaluated 2026-01-07.

Conditions:
CTPS1-related disorder. Also called: CTPS1-related condition.
Combined immunodeficiency due to CTPS1 deficiency. Also called: Immunodeficiency 24; Severe combined immunodeficiency due to CTPS1 deficiency. Identifiers: Orphanet 420573, MedGen C4014617, MONDO:0014391, OMIM 615897.

Allele frequency attached by ClinVar (database versions not stated): gnomAD exomes 0.00021; ExAC 0.00024; gnomAD 0.00076 and 0.00084; TOPMed 0.00099; ESP Exome Variant Server 0.00100.
gnomAD v4.1: 243 of 1,613,986 alleles (0.015%); highest among the groups gnomAD compares: African/African-American, 0.26%; no homozygotes.

Submissions (5):

Labcorp Genetics (formerly Invitae), Labcorp
Classification: Benign for Combined immunodeficiency due to CTPS1 deficiency. Last evaluated: 2026-01-07. Review status: criteria provided, single submitter. Criteria: Invitae Variant Classification Sherloc (09022015). Collection method: clinical testing. Allele origin: germline.

CeGaT Center for Human Genetics Tuebingen
Classification: Likely benign. Last evaluated: 2025-02-01. Review status: criteria provided, single submitter. Criteria: CeGaT Center For Human Genetics Tuebingen Variant Classification Criteria Version 2. Collection method: clinical testing. Allele origin: germline. Affected: yes. Observed: 1 variant allele.
Comment: CTPS1: BP4, BP7

Blueprint Genetics
Classification: Likely benign. Last evaluated: 2024-11-05. Review status: criteria provided, single submitter. Criteria: ACMG Guidelines, 2015. Collection method: clinical testing. Allele origin: germline.

PreventionGenetics, part of Exact Sciences
Classification: Likely benign for CTPS1-related condition. Last evaluated: 2023-12-01. Review status: no assertion criteria provided. Collection method: clinical testing. Allele origin: germline. Not counted in ClinVar's aggregate classification.
Comment: This variant is classified as likely benign based on ACMG/AMP sequence variant interpretation guidelines (Richards et al. 2015 PMID: 25741868, with internal and published modifications).

Dr. Peter K. Rogan Lab, Western University
No classification provided (evidence only). Condition: Thymoma. Review status: no classification provided. Collection method: in vitro. Allele origin: not applicable. Functional consequence: retained intron. Not counted in ClinVar's aggregate classification.

NM_001905.4(CTPS1):c.1191C>T (p.Gly397=)

Gene: CTPS1 (CTP synthase 1; plus strand). Cytogenetic location: 1p34.2.
Variant type: single nucleotide variant.
Coding change: c.1191C>T on transcript NM_001905.4 (MANE Select); coding-DNA position 1191, C replaced by T.
Protein change: p.Gly397=; no amino-acid change (glycine 397 retained).
Molecular consequence: synonymous variant. On other transcripts: non-coding transcript variant (1).
Genome position (GRCh38, 1-based): chr1:41,003,115, C>T. VCF-style: chr1-41003115-C-T. GRCh37 (hg19) VCF-style: chr1-41468787-C-T.
Other names: c.723C>T, p.Gly241= (NM_001301237.2).
Identifiers: ClinVar variation 541958 (VCV000541958.28), dbSNP rs150821317, ClinGen allele CA795459.
Genomic context (GRCh38, chr1:41,003,115, plus strand): 5'-GAAAAGTAGGAGCTGCCTTTTCAATGGAGTTTTGTTTGTTTTTTCCCCCCGACTGGAAGG[C>T]GTGTGCTTAGGGATGCAGTTGGCAGTGGTTGAATTCTCAAGAAACGTGCTGGGATGGCAA-3'
Protein context (NP_001896.2, residues 387-407): WARNQKKPFL[Gly397=]VCLGMQLAVV